The following is an entry in ClinVar:

ClinVar aggregate classification (germline): Likely pathogenic (1 of 4 stars; one submission).

Conditions:
Myoclonic epilepsy of Lafora 2. Also called: Epilepsy, progressive myoclonic 2B (Lafora); LAFORA DISEASE 2; NHLRC1-Related Lafora Disease; EPILEPSY, PROGRESSIVE MYOCLONIC, 2B. Identifiers: MedGen C1850764, MONDO:0800306, OMIM 620681.

Submission:

Diagnostics Services (NGS), CSIR - Centre For Cellular And Molecular Biology
Classification: Likely pathogenic for Myoclonic epilepsy of Lafora 2. Last evaluated: 2026-04-13. Review status: criteria provided, single submitter. Criteria: ACMG Guidelines, 2015. Collection method: clinical testing. Allele origin: germline. Affected: yes. Observed: 1 variant allele, 1 homozygote.
Comment: The c.417del variant is not present in publicly available population databases like 1000 Genomes, EVS, gnomAD, Indian Exome Database or our internal database. This variant has not been published in the literature for NHLRC1-related conditions nor reported to clinical databases like Human Genome Mutation Databases (HGMD), ClinVar or OMIM, in any affected individuals. In-silico pathogenicity prediction programs like MutationTaster2021, CADD, Franklin, Varsome etc., predicted this variant to be likely deleterious, however these predictions were not confirmed by published functional studies. This variant causes frameshift at the 140th amino acid position of the wild-type transcript which creates a premature translational stop signal at the altered transcript that may either result in translation of a truncated protein or cause nonsense mediated decay of the mRNA.

NM_198586.3(NHLRC1):c.417del (p.Arg140fs)

Gene: NHLRC1 (NHL repeat containing E3 ubiquitin protein ligase 1; minus strand). Cytogenetic location: 6p22.3.
Variant type: Deletion.
Coding change: c.417del on transcript NM_198586.3 (MANE Select); coding-DNA position 417, one base deleted (G; older notation c.417delG).
Protein change: p.Arg140fs; shifts the reading frame from arginine 140.
Molecular consequence: frameshift variant.
Genome position (GRCh38, 1-based): chr6:18,122,190, C deleted on the plus strand (G on the coding strand, the reverse complement: NHLRC1 is on the minus strand); the first of 4 consecutive C bases (chr6:18,122,190-18,122,193); deleting any one gives the same sequence. VCF-style (leftmost placement, unchanged base first): chr6-18122189-GC-G. GRCh37 (hg19) VCF-style: chr6-18122420-GC-G.
Other names: short protein forms R140fs.
Identifiers: ClinVar variation 4852767 (VCV004852767.1).